The following is an entry in ClinVar:

ClinVar aggregate classification (germline): Benign (1 of 4 stars; one submission).

Allele frequency attached by ClinVar (database versions not stated): 1000 Genomes Project 30x 0.21908; 1000 Genomes Project 0.22404; TOPMed 0.23066; gnomAD 0.23235 and 0.23242.
gnomAD v4.1: 35,543 of 152,230 alleles (23%); highest among the groups gnomAD compares: East Asian, 29%; 4,438 homozygotes.

Submission:

GeneDx
Classification: Benign. Last evaluated: 2018-06-19. Review status: criteria provided, single submitter. Criteria: GeneDx Variant Classification (06012015). Collection method: clinical testing. Allele origin: germline. Affected: yes.
Comment: This variant is considered likely benign or benign based on one or more of the following criteria: it is a conservative change, it occurs at a poorly conserved position in the protein, it is predicted to be benign by multiple in silico algorithms, and/or has population frequency not consistent with disease.

NM_003978.5(PSTPIP1):c.516+177A>G

Gene: PSTPIP1 (proline-serine-threonine phosphatase interacting protein 1; plus strand). Cytogenetic location: 15q24.3.
Variant type: single nucleotide variant.
Coding change: c.516+177A>G on transcript NM_003978.5 (MANE Select); 177 bases into the intron after coding-DNA position 516, A replaced by G.
Molecular consequence: intron variant.
Genome position (GRCh38, 1-based): chr15:77,028,829, A>G. VCF-style: chr15-77028829-A-G. GRCh37 (hg19) VCF-style: chr15-77321170-A-G.
Other names: c.711+177A>G (NM_001321137.1); c.489+177A>G (NM_001321136.2); c.516+177A>G (NM_001321135.2).
Identifiers: ClinVar variation 677030 (VCV000677030.1), dbSNP rs56103874, ClinGen allele CA14135978.